The following is an entry in ClinVar:

NM_000235.4(LIPA):c.468T>G (p.Ile156Met)

Gene: LIPA (lipase A, lysosomal acid type; minus strand). Cytogenetic location: 10q23.31.
Variant type: single nucleotide variant.
Coding change: c.468T>G on transcript NM_000235.4 (MANE Select); coding-DNA position 468, T replaced by G.
Protein change: p.Ile156Met; replaces isoleucine 156 with methionine.
Molecular consequence: missense variant.
Genome position (GRCh38, 1-based): chr10:89,226,965, A>C on the plus strand (T>G on the coding strand, the complement: LIPA is on the minus strand). VCF-style: chr10-89226965-A-C. GRCh37 (hg19) VCF-style: chr10-90986722-A-C.
Other names: c.468T>G, p.Ile156Met (NM_001127605.3); c.120T>G, p.Ile40Met (NM_001288979.2); short protein forms I40M, I156M.
Identifiers: ClinVar variation 3867311 (VCV003867311.1).

ClinVar aggregate classification (germline): Uncertain significance (1 of 4 stars; one submission).

Conditions:
Cardiovascular phenotype. Identifiers: MedGen CN230736.

gnomAD v4.1: 1 of 1,613,572 alleles (0.000062%); highest among the groups gnomAD compares: Non-Finnish European, 0.000085%; no homozygotes.

Submission:

Ambry Genetics
Classification: Uncertain significance for Cardiovascular phenotype. Last evaluated: 2025-02-15. Review status: criteria provided, single submitter. Criteria: Ambry Variant Classification Scheme 2023. Collection method: clinical testing. Allele origin: germline.
Comment: The p.I156M variant (also known as c.468T>G), located in coding exon 4 of the LIPA gene, results from a T to G substitution at nucleotide position 468. The isoleucine at codon 156 is replaced by methionine, an amino acid with highly similar properties. This amino acid position is conserved. In addition, this alteration is predicted to be tolerated by in silico analysis. Based on the available evidence, the clinical significance of this variant remains unclear.